The following is an entry in ClinVar:

ClinVar aggregate classification (germline): Uncertain significance (1 of 4 stars; one submission).

Submission:

Mayo Clinic Laboratories, Mayo Clinic
Classification: Uncertain significance. Last evaluated: 2024-09-17. Review status: criteria provided, single submitter. Criteria: ACMG Guidelines, 2015. Collection method: clinical testing. Allele origin: germline. Observed: 1 variant allele.
Comment: PM2

NM_002206.3(ITGA7):c.911G>T (p.Arg304Leu)

Gene: ITGA7 (integrin subunit alpha 7; minus strand). Cytogenetic location: 12q13.2.
Variant type: single nucleotide variant.
Coding change: c.911G>T on transcript NM_002206.3 (MANE Select); coding-DNA position 911, G replaced by T.
Protein change: p.Arg304Leu; replaces arginine 304 with leucine.
Molecular consequence: missense variant. On other transcripts: 5 prime UTR variant (1).
Genome position (GRCh38, 1-based): chr12:55,698,797, C>A on the plus strand (G>T on the coding strand, the complement: ITGA7 is on the minus strand). VCF-style: chr12-55698797-C-A. GRCh37 (hg19) VCF-style: chr12-56092581-C-A.
Other names: p.Arg304Leu; c.923G>T, p.Arg308Leu (NM_001144996.2, NM_001414029.1, NM_001414030.1); c.632G>T, p.Arg211Leu (NM_001144997.2); c.584G>T, p.Arg195Leu (NM_001367993.1); c.-382G>T (NM_001367994.1); c.911G>T, p.Arg304Leu (NM_001374465.1, NM_001414031.1, NM_001414034.1); c.1043G>T, p.Arg348Leu (NM_001410977.1); c.791G>T, p.Arg264Leu (NM_001414032.1); and 2 more; short protein forms R191L, R195L, R211L, R243L, R264L, R304L, R308L, R348L.
Identifiers: ClinVar variation 3380108 (VCV003380108.1).